The following is an entry in ClinVar:

NM_177972.3(TUB):c.693A>G (p.Ala231=)

Genes: RIC3 (RIC3 acetylcholine receptor chaperone; minus strand), TUB (TUB bipartite transcription factor; plus strand). Cytogenetic location: 11p15.4.
Variant type: single nucleotide variant.
Coding change: c.693A>G on transcript NM_177972.3 (MANE Select); coding-DNA position 693, A replaced by G.
Protein change: p.Ala231=; no amino-acid change (alanine 231 retained).
Molecular consequence: synonymous variant.
Genome position (GRCh38, 1-based): chr11:8,097,233, A>G. VCF-style: chr11-8097233-A-G. GRCh37 (hg19) VCF-style: chr11-8118780-A-G.
Other names: c.711A>G, p.Ala237= (NM_001440538.1, NM_001440539.1); c.543A>G, p.Ala181= (NM_001440540.1, NM_001440542.1); c.525A>G, p.Ala175= (NM_001440541.1); c.858A>G, p.Ala286= (NM_003320.5).
Identifiers: ClinVar variation 4984250 (VCV004984250.1).

ClinVar aggregate classification (germline): Likely benign (1 of 4 stars; one submission).

Conditions:
TUB-related disorder. Also called: TUB-related condition.

gnomAD v4.1: 1 of 1,614,052 alleles (0.000062%); highest among the groups gnomAD compares: Non-Finnish European, 0.000085%; no homozygotes.

Submission:

PreventionGenetics, part of Exact Sciences
Classification: Likely benign for TUB-related condition. Last evaluated: 2026-02-22. Review status: criteria provided, single submitter. Criteria: ACMG Guidelines, 2015. Collection method: clinical testing. Allele origin: germline.
Comment: This variant is classified as likely benign based on ACMG/AMP sequence variant interpretation guidelines (Richards et al. 2015 PMID: 25741868, with internal and published modifications).